The following is an entry in ClinVar:

NM_000540.3(RYR1):c.13228G>C (p.Glu4410Gln)

Gene: RYR1 (ryanodine receptor 1; plus strand). Cytogenetic location: 19q13.2.
Variant type: single nucleotide variant.
Coding change: c.13228G>C on transcript NM_000540.3 (MANE Select); coding-DNA position 13228, G replaced by C.
Protein change: p.Glu4410Gln; replaces glutamic acid 4410 with glutamine.
Molecular consequence: missense variant.
Genome position (GRCh38, 1-based): chr19:38,565,562, G>C. VCF-style: chr19-38565562-G-C. GRCh37 (hg19) VCF-style: chr19-39056202-G-C.
Other names: c.13213G>C, p.Glu4405Gln (NM_001042723.2); short protein forms E4410Q, E4405Q.
Identifiers: ClinVar variation 579628 (VCV000579628.7), dbSNP rs776964609, ClinGen allele CA059663.

ClinVar aggregate classification (germline): Uncertain significance (1 of 4 stars; one submission).

Conditions:
RYR1-related disorder. Also called: RYR1-related disorders; RYR1-related condition. Identifiers: MedGen CN239331.

Allele frequency attached by ClinVar (database versions not stated): gnomAD exomes 0.00001; ExAC 0.00011.

Submission:

Labcorp Genetics (formerly Invitae), Labcorp
Classification: Uncertain significance for RYR1-related disorder. Last evaluated: 2025-06-04. Review status: criteria provided, single submitter. Criteria: Invitae Variant Classification Sherloc (09022015). Collection method: clinical testing. Allele origin: germline.
Comment: This sequence change replaces glutamic acid, which is acidic and polar, with glutamine, which is neutral and polar, at codon 4410 of the RYR1 protein (p.Glu4410Gln). This variant is present in population databases (rs776964609, gnomAD 0.1%). This missense change has been observed in individual(s) with RYR1-related conditions (internal data). ClinVar contains an entry for this variant (Variation ID: 579628). Invitae Evidence Modeling of protein sequence and biophysical properties (such as structural, functional, and spatial information, amino acid conservation, physicochemical variation, residue mobility, and thermodynamic stability) indicates that this missense variant is not expected to disrupt RYR1 protein function with a negative predictive value of 80%. In summary, the available evidence is currently insufficient to determine the role of this variant in disease. Therefore, it has been classified as a Variant of Uncertain Significance.